The following is an entry in ClinVar:

ClinVar aggregate classification (germline): Uncertain significance (1 of 4 stars; one submission).

Submission:

Labcorp Genetics (formerly Invitae), Labcorp
Classification: Uncertain significance. Last evaluated: 2020-06-08. Review status: criteria provided, single submitter. Criteria: Invitae Variant Classification Sherloc (09022015). Collection method: clinical testing. Allele origin: germline.
Comment: This sequence change replaces histidine with asparagine at codon 1521 of the NSD1 protein (p.His1521Asn). The histidine residue is weakly conserved and there is a small physicochemical difference between histidine and asparagine. This variant is not present in population databases (ExAC no frequency). This variant has not been reported in the literature in individuals with NSD1-related conditions. Algorithms developed to predict the effect of missense changes on protein structure and function output the following: SIFT: "Tolerated"; PolyPhen-2: "Benign"; Align-GVGD: "Class C0". The asparagine amino acid residue is found in multiple mammalian species, suggesting that this missense change does not adversely affect protein function. These predictions have not been confirmed by published functional studies and their clinical significance is uncertain. In summary, the available evidence is currently insufficient to determine the role of this variant in disease. Therefore, it has been classified as a Variant of Uncertain Significance.

NM_022455.5(NSD1):c.4561C>A (p.His1521Asn)

Gene: NSD1 (nuclear receptor binding SET domain protein 1; plus strand). Cytogenetic location: 5q35.3.
Variant type: single nucleotide variant.
Coding change: c.4561C>A on transcript NM_022455.5 (MANE Select); coding-DNA position 4561, C replaced by A.
Protein change: p.His1521Asn; replaces histidine 1521 with asparagine.
Molecular consequence: missense variant.
Genome position (GRCh38, 1-based): chr5:177,248,244, C>A. VCF-style: chr5-177248244-C-A. GRCh37 (hg19) VCF-style: chr5-176675245-C-A.
Other names: c.3688C>A, p.His1230Asn (NM_001365684.2, NM_001409306.1, NM_001409307.1 and 3 more transcripts); c.4561C>A, p.His1521Asn (NM_001409301.1, NM_001409302.1, NM_001409303.1); c.4141C>A, p.His1381Asn (NM_001409304.1); c.3808C>A, p.His1270Asn (NM_001409305.1); short protein forms H1252N, H1521N, H1270N, H1381N, H1230N.
Identifiers: ClinVar variation 1037833 (VCV001037833.9), dbSNP rs1401885898, ClinGen allele CA362349727.